The following is an entry in ClinVar:

NM_004448.4(ERBB2):c.3738dup (p.Glu1247fs)

Gene: ERBB2 (erb-b2 receptor tyrosine kinase 2; plus strand). Cytogenetic location: 17q12.
Variant type: Duplication.
Coding change: c.3738dup on transcript NM_004448.4 (MANE Select); coding-DNA position 3738, one base duplicated (A; older notation c.3738dupA).
Protein change: p.Glu1247fs; shifts the reading frame from glutamic acid 1247.
Molecular consequence: frameshift variant. On other transcripts: 3 prime UTR variant (2), non-coding transcript variant (1).
Genome position (GRCh38, 1-based): chr17:39,728,014, A duplicated. VCF-style (leftmost placement, unchanged base first): chr17-39728013-C-CA. GRCh37 (hg19) VCF-style: chr17-37884266-C-CA.
Other names: c.3648dup, p.Glu1217fs (NM_001005862.3, NM_001382782.1, NM_001382783.1); c.3693dup, p.Glu1232fs (NM_001289936.2); c.*317dup (NM_001289937.2, NM_001382803.1); c.3855dup, p.Glu1286fs (NM_001382784.1); c.3840dup, p.Glu1281fs (NM_001382785.1); c.3819dup, p.Glu1274fs (NM_001382786.1); c.3813dup, p.Glu1272fs (NM_001382787.1); c.3768dup, p.Glu1257fs (NM_001382788.1); and 16 more; short protein forms E1187fs, E1218fs, E1233fs, E1246fs, E971fs, E1179fs, E1185fs, E1195fs.
Identifiers: ClinVar variation 2884781 (VCV002884781.1), dbSNP rs752875197, ClinGen allele CA8534613.

ClinVar aggregate classification (germline): Uncertain significance (1 of 4 stars; one submission).

Allele frequency attached by ClinVar (database versions not stated): gnomAD 0.00001; gnomAD exomes 0.00001; TOPMed 0.00002; ExAC 0.00004.

Submission:

Labcorp Genetics (formerly Invitae), Labcorp
Classification: Uncertain significance. Last evaluated: 2023-03-18. Review status: criteria provided, single submitter. Criteria: Invitae Variant Classification Sherloc (09022015). Collection method: clinical testing. Allele origin: germline.
Comment: In summary, the available evidence is currently insufficient to determine the role of this variant in disease. Therefore, it has been classified as a Variant of Uncertain Significance. Experimental studies and prediction algorithms are not available or were not evaluated, and the functional significance of this variant is currently unknown. This variant has not been reported in the literature in individuals affected with ERBB2-related conditions. This variant is present in population databases (rs752875197, gnomAD 0.02%). This sequence change results in a frameshift in the ERBB2 gene (p.Glu1247Argfs*30). While this is not anticipated to result in nonsense mediated decay, it is expected to disrupt the last 9 amino acid(s) of the ERBB2 protein and extend the protein by 20 additional amino acid residues.